The following is an entry in ClinVar:

ClinVar aggregate classification (germline): Conflicting classifications of pathogenicity. Review status: criteria provided, conflicting classifications (1 of 4 stars). 8 submissions from 7 submitters: Uncertain significance (2); Likely benign (6). Last evaluated 2026-06-08.

Conditions:
HSPB1-related disorder. Also called: HSPB1-related condition; HSPB1-related disorders.
Charcot-Marie-Tooth disease axonal type 2F (CMT2F). Also called: Charcot-Marie-Tooth Neuropathy Type 2F; CHARCOT-MARIE-TOOTH DISEASE, NEURONAL, TYPE 2F. Identifiers: Orphanet 99940, MedGen C1847823, MONDO:0011687, OMIM 606595.
Neuronopathy, distal hereditary motor, type 2B. Also called: HMN IIB; NEURONOPATHY, DISTAL HEREDITARY MOTOR, AUTOSOMAL DOMINANT 3; NEURONOPATHY, DISTAL HEREDITARY MOTOR, HARDING TYPE IIB; NEUROPATHY, DISTAL HEREDITARY MOTOR, HARDING TYPE IIB. Identifiers: Orphanet 139525, MedGen C2608087, MONDO:0012080, OMIM 608634.

Allele frequency attached by ClinVar (database versions not stated): ExAC below 0.00001; gnomAD exomes 0.00003 and 0.00006; gnomAD 0.00005 and 0.00006; TOPMed 0.00009.
gnomAD v4.1: 88 of 1,542,776 alleles (0.0057%); highest among the groups gnomAD compares: Non-Finnish European, 0.0075%; no homozygotes.

Submissions (8):

Women's Health and Genetics/Laboratory Corporation of America, LabCorp
Classification: Likely benign. Last evaluated: 2026-06-08. Review status: criteria provided, single submitter. Criteria: LabCorp Variant Classification Summary - May 2015. Collection method: clinical testing. Allele origin: germline.

Mayo Clinic Laboratories, Mayo Clinic
Classification: Likely benign. Last evaluated: 2025-11-27. Review status: criteria provided, single submitter. Criteria: ACMG Guidelines, 2015. Collection method: clinical testing. Allele origin: germline. Observed: 1 variant allele.
Comment: BP4, BP7

PreventionGenetics, part of Exact Sciences
Classification: Likely benign for HSPB1-related condition. Last evaluated: 2025-11-19. Review status: criteria provided, single submitter. Criteria: ACMG Guidelines, 2015. Collection method: clinical testing. Allele origin: germline.
Comment: This variant is classified as likely benign based on ACMG/AMP sequence variant interpretation guidelines (Richards et al. 2015 PMID: 25741868, with internal and published modifications).

Labcorp Genetics (formerly Invitae), Labcorp
Classification: Likely benign for Charcot-Marie-Tooth disease axonal type 2F. Last evaluated: 2025-11-17. Review status: criteria provided, single submitter. Criteria: Invitae Variant Classification Sherloc (09022015). Collection method: clinical testing. Allele origin: germline.

CeGaT Center for Human Genetics Tuebingen
Classification: Likely benign. Last evaluated: 2021-08-01. Review status: criteria provided, single submitter. Criteria: CeGaT Center For Human Genetics Tuebingen Variant Classification Criteria Version 2. Collection method: clinical testing. Allele origin: germline. Affected: yes. Observed: 1 variant allele.

GeneDx
Classification: Likely benign. Last evaluated: 2018-03-21. Review status: criteria provided, single submitter. Criteria: GeneDx Variant Classification (06012015). Collection method: clinical testing. Allele origin: germline. Affected: yes.
Comment: This variant is considered likely benign or benign based on one or more of the following criteria: it is a conservative change, it occurs at a poorly conserved position in the protein, it is predicted to be benign by multiple in silico algorithms, and/or has population frequency not consistent with disease.

Illumina Laboratory Services, Illumina
Classification: Uncertain significance for Neuronopathy, distal hereditary motor, type 2B. Last evaluated: 2018-01-13. Review status: criteria provided, single submitter. Criteria: ICSL Variant Classification Criteria 13 December 2019. Collection method: clinical testing. Allele origin: germline.

Illumina Laboratory Services, Illumina
Classification: Uncertain significance for Charcot-Marie-Tooth disease axonal type 2F. Last evaluated: 2018-01-13. Review status: criteria provided, single submitter. Criteria: ICSL Variant Classification Criteria 13 December 2019. Collection method: clinical testing. Allele origin: germline.

NM_001540.5(HSPB1):c.210G>A (p.Ala70=)

Gene: HSPB1 (heat shock protein family B (small) member 1; plus strand). Cytogenetic location: 7q11.23.
Variant type: single nucleotide variant.
Coding change: c.210G>A on transcript NM_001540.5 (MANE Select); coding-DNA position 210, G replaced by A.
Protein change: p.Ala70=; no amino-acid change (alanine 70 retained).
Molecular consequence: synonymous variant.
Genome position (GRCh38, 1-based): chr7:76,302,922, G>A. VCF-style: chr7-76302922-G-A. GRCh37 (hg19) VCF-style: chr7-75932239-G-A.
Other names: p.Ala70=.
Identifiers: ClinVar variation 681059 (VCV000681059.48), dbSNP rs749963653, ClinGen allele CA4306289.
Genomic context (GRCh38, chr7:76,302,922, plus strand): 5'-CTGGCCAGGCTACGTGCGCCCCCTGCCCCCCGCCGCCATCGAGAGCCCCGCAGTGGCCGC[G>A]CCCGCCTACAGCCGCGCGCTCAGCCGGCAACTCAGCAGCGGGGTCTCGGAGATCCGGCAC-3'
Protein context (NP_001531.1, residues 60-80): PAAIESPAVA[Ala70=]PAYSRALSRQ